The following is an entry in ClinVar:

ClinVar aggregate classification (germline): Benign. Review status: criteria provided, multiple submitters, no conflicts (2 of 4 stars). 2 submissions from 2 submitters: Benign (2). Last evaluated 2018-06-16.

Allele frequency attached by ClinVar (database versions not stated): gnomAD exomes 0.06901 and 0.10893; gnomAD 0.11193 and 0.11479; TOPMed 0.12184; ExAC 0.12198; 1000 Genomes Project 30x 0.17302; 1000 Genomes Project 0.17472.

Submissions (2):

GeneDx
Classification: Benign. Last evaluated: 2018-06-16. Review status: criteria provided, single submitter. Criteria: GeneDx Variant Classification (06012015). Collection method: clinical testing. Allele origin: germline. Affected: yes.
Comment: This variant is considered likely benign or benign based on one or more of the following criteria: it is a conservative change, it occurs at a poorly conserved position in the protein, it is predicted to be benign by multiple in silico algorithms, and/or has population frequency not consistent with disease.

Breakthrough Genomics
Classification: Benign. Review status: criteria provided, single submitter. Criteria: ACMG Guidelines, 2015. Collection method: not provided. Allele origin: germline. Inheritance: Autosomal recessive inheritance. Affected: yes.

NM_001145308.5(LRTOMT):c.83+34T>A

Gene: LRTOMT (leucine rich transmembrane and O-methyltransferase domain containing; plus strand). Cytogenetic location: 11q13.4.
Variant type: single nucleotide variant.
Coding change: c.83+34T>A on transcript NM_001145308.5; 34 bases into the intron after coding-DNA position 83, T replaced by A.
Molecular consequence: intron variant.
Genome position (GRCh38, 1-based): chr11:72,105,046, T>A. VCF-style: chr11-72105046-T-A. GRCh37 (hg19) VCF-style: chr11-71816092-T-A.
Other names: c.83+34T>A (NM_001145309.4, NM_001145310.4).
Identifiers: ClinVar variation 682807 (VCV000682807.2), dbSNP rs12293885, ClinGen allele CA6168563.